The following is an entry in ClinVar:

ClinVar aggregate classification (germline): Benign/Likely benign. Review status: criteria provided, multiple submitters, no conflicts (2 of 4 stars). 4 submissions from 4 submitters: Benign (1); Likely benign (3). Last evaluated 2025-06-09.

Conditions:
Familial adenomatous polyposis 1 (FAP1). Also called: POLYPOSIS, ADENOMATOUS INTESTINAL; FAMILIAL ADENOMATOUS POLYPOSIS 1, ATTENUATED. Identifiers: MedGen C2713442, MONDO:0021056, OMIM 175100. Disease mechanism: loss of function.
Hereditary cancer-predisposing syndrome. Also called: Hereditary Cancer Syndrome; Neoplastic Syndromes, Hereditary; Tumor predisposition; Hereditary neoplastic syndrome. Identifiers: Orphanet 140162, MedGen C0027672, MeSH D009386, MONDO:0015356.

Allele frequency attached by ClinVar (database versions not stated): gnomAD exomes below 0.00001.
gnomAD v4.1: 1 of 1,614,156 alleles (0.000062%); highest among the groups gnomAD compares: Non-Finnish European, 0.000085%; no homozygotes.

Submissions (4):

Labcorp Genetics (formerly Invitae), Labcorp
Classification: Likely benign for Familial adenomatous polyposis 1. Last evaluated: 2025-06-09. Review status: criteria provided, single submitter. Criteria: Invitae Variant Classification Sherloc (09022015). Collection method: clinical testing. Allele origin: germline.

Myriad Genetics, Inc.
Classification: Benign for Familial adenomatous polyposis 1. Last evaluated: 2024-03-28. Review status: criteria provided, single submitter. Criteria: Myriad Autosomal Dominant, Autosomal Recessive and X-Linked Classification Criteria (2023). Collection method: clinical testing. Allele origin: unknown.
Comment: This variant is considered benign. This variant is a silent/synonymous amino acid change and it is not expected to impact splicing.

Ambry Genetics
Classification: Likely benign for Hereditary cancer-predisposing syndrome. Last evaluated: 2022-11-16. Review status: criteria provided, single submitter. Criteria: Ambry Variant Classification Scheme 2023. Collection method: clinical testing. Allele origin: germline.

Color Diagnostics, LLC DBA Color Health
Classification: Likely benign for Hereditary cancer-predisposing syndrome. Last evaluated: 2017-09-16. Review status: criteria provided, single submitter. Criteria: ACMG Guidelines, 2015. Collection method: clinical testing. Allele origin: germline.

NM_000038.6(APC):c.4917A>G (p.Pro1639=)

Gene: APC (APC regulator of Wnt signaling pathway; plus strand). Cytogenetic location: 5q22.2.
Variant type: single nucleotide variant.
Coding change: c.4917A>G on transcript NM_000038.6 (MANE Select); coding-DNA position 4917, A replaced by G.
Protein change: p.Pro1639=; no amino-acid change (proline 1639 retained).
Molecular consequence: synonymous variant.
Genome position (GRCh38, 1-based): chr5:112,840,511, A>G. VCF-style: chr5-112840511-A-G. GRCh37 (hg19) VCF-style: chr5-112176208-A-G.
Other names: c.4740A>G, p.Pro1580= (NM_001354901.2); c.4437A>G, p.Pro1479= (NM_001354905.2); c.4644A>G, p.Pro1548= (NM_001354902.2); c.4068A>G, p.Pro1356= (NM_001354906.2); c.4614A>G, p.Pro1538= (NM_001354903.2); c.4539A>G, p.Pro1513= (NM_001354904.2); c.4917A>G, p.Pro1639= (NM_001127510.3, NM_001354895.2); c.4863A>G, p.Pro1621= (NM_001127511.3); and 5 more.
Identifiers: ClinVar variation 490289 (VCV000490289.8), dbSNP rs1375316248, ClinGen allele CA446208690.